The following is an entry in ClinVar:

NM_001371623.1(TCOF1):c.1130C>T (p.Pro377Leu)

Gene: TCOF1 (treacle ribosome biogenesis factor 1; plus strand). Cytogenetic location: 5q32.
Variant type: single nucleotide variant.
Coding change: c.1130C>T on transcript NM_001371623.1 (MANE Select); coding-DNA position 1130, C replaced by T.
Protein change: p.Pro377Leu; replaces proline 377 with leucine.
Molecular consequence: missense variant.
Genome position (GRCh38, 1-based): chr5:150,374,663, C>T. VCF-style: chr5-150374663-C-T. GRCh37 (hg19) VCF-style: chr5-149754226-C-T.
Other names: c.899C>T, p.Pro300Leu (NM_000356.4, NM_001135245.2); c.1130C>T, p.Pro377Leu (NM_001008657.3, NM_001135243.2, NM_001135244.2 and 1 more transcripts); short protein forms P300L, P377L.
Identifiers: ClinVar variation 977492 (VCV000977492.19), dbSNP rs189476787, ClinGen allele CA3510770.

ClinVar aggregate classification (germline): Conflicting classifications of pathogenicity. Review status: criteria provided, conflicting classifications (1 of 4 stars). 7 submissions from 7 submitters: Likely pathogenic (1); Likely benign (6). Last evaluated 2026-01-13.

Conditions:
Treacher Collins syndrome 1 (TCS1). Also called: TCOF1-Related Treacher Collins Syndrome. Identifiers: Orphanet 861, MedGen CN315775, MONDO:0007944, OMIM 154500.
TCOF1-related disorder. Also called: TCOF1-related condition.

Allele frequency attached by ClinVar (database versions not stated): ESP Exome Variant Server 0.00008; gnomAD exomes 0.00013 and 0.00022; ExAC 0.00018; gnomAD 0.00021 and 0.00024; 1000 Genomes Project 30x 0.00031; 1000 Genomes Project 0.00040; TOPMed 0.00042.
gnomAD v4.1: 246 of 1,614,054 alleles (0.015%); highest among the groups gnomAD compares: Middle Eastern, 0.67%; no homozygotes.

Submissions (7):

Laboratory of Prof. Karen Avraham, Tel Aviv University
Classification: Likely pathogenic for Treacher Collins syndrome 1. Last evaluated: 2026-01-13. Review status: criteria provided, single submitter. Criteria: ACMG Guidelines, 2015. Collection method: research. Allele origin: germline. Inheritance: Autosomal dominant inheritance. Affected: yes. Observed: 2 variant alleles.
Comment: The TCOF1 c.1130C>T:p.(Pro377Leu) variant is a very rare variant in a gene with other known missense mutations involved in deafness. This variant, classified 'Likely pathogenic' by Deafness Variation Database, was detected in 2 hearing impaired individuals with sloping mild-to-moderately severe HL. In ClinVar there are 2 more submissions of affected individuals (SCV001824809.1, SCV005221355.1) supporting pathogenicity of the variant.

Autosomal dominant; high-tone HL

Labcorp Genetics (formerly Invitae), Labcorp
Classification: Likely benign for Treacher Collins syndrome 1. Last evaluated: 2025-12-26. Review status: criteria provided, single submitter. Criteria: Invitae Variant Classification Sherloc (09022015). Collection method: clinical testing. Allele origin: germline.

PreventionGenetics, part of Exact Sciences
Classification: Likely benign for TCOF1-related condition. Last evaluated: 2024-12-13. Review status: criteria provided, single submitter. Criteria: ACMG Guidelines, 2015. Collection method: clinical testing. Allele origin: germline.
Comment: This variant is classified as likely benign based on ACMG/AMP sequence variant interpretation guidelines (Richards et al. 2015 PMID: 25741868, with internal and published modifications).

Blueprint Genetics
Classification: Likely benign. Last evaluated: 2024-11-12. Review status: criteria provided, single submitter. Criteria: ACMG Guidelines, 2015. Collection method: clinical testing. Allele origin: germline.

GeneDx
Classification: Likely benign. Last evaluated: 2021-05-04. Review status: criteria provided, single submitter. Criteria: GeneDx Variant Classification Process June 2021. Collection method: clinical testing. Allele origin: germline. Affected: yes.
Comment: This variant is associated with the following publications: (PMID: 28065470)

Johns Hopkins Genomics, Johns Hopkins University
Classification: Likely benign for Treacher Collins syndrome 1. Last evaluated: 2020-08-12. Review status: criteria provided, single submitter. Criteria: ACMG Guidelines, 2015. Collection method: clinical testing. Allele origin: germline.

Breakthrough Genomics
Classification: Likely benign. Review status: criteria provided, single submitter. Criteria: ACMG Guidelines, 2015. Collection method: not provided. Allele origin: germline. Inheritance: Autosomal dominant inheritance. Affected: yes.